The following is an entry in ClinVar:

NM_006767.4(LZTR1):c.1945A>G (p.Thr649Ala)

Gene: LZTR1 (leucine zipper like post translational regulator 1; plus strand). Cytogenetic location: 22q11.21.
Variant type: single nucleotide variant.
Coding change: c.1945A>G on transcript NM_006767.4 (MANE Select); coding-DNA position 1945, A replaced by G.
Protein change: p.Thr649Ala; replaces threonine 649 with alanine.
Molecular consequence: missense variant.
Genome position (GRCh38, 1-based): chr22:20,995,748, A>G. VCF-style: chr22-20995748-A-G. GRCh37 (hg19) VCF-style: chr22-21350037-A-G.
Other names: short protein forms T649A.
Identifiers: ClinVar variation 1783111 (VCV001783111.8), dbSNP rs1924811734, ClinGen allele CA410778930.

ClinVar aggregate classification (germline): Uncertain significance. Review status: criteria provided, multiple submitters, no conflicts (2 of 4 stars). 2 submissions from 2 submitters: Uncertain significance (2). Last evaluated 2025-07-29.

Conditions:
Hereditary cancer-predisposing syndrome. Also called: Neoplastic Syndromes, Hereditary; Tumor predisposition; Hereditary Cancer Syndrome; Hereditary neoplastic syndrome. Identifiers: Orphanet 140162, MedGen C0027672, MeSH D009386, MONDO:0015356.
Cardiovascular phenotype. Identifiers: MedGen CN230736.

Allele frequency attached by ClinVar (database versions not stated): gnomAD exomes below 0.00001.
gnomAD v4.1: 1 of 1,613,556 alleles (0.000062%); highest among the groups gnomAD compares: Non-Finnish European, 0.000085%; no homozygotes.

Submissions (2):

Ambry Genetics
Classification: Uncertain significance for Cardiovascular phenotype; Hereditary cancer-predisposing syndrome. Last evaluated: 2025-07-29. Review status: criteria provided, single submitter. Criteria: Ambry Variant Classification Scheme 2023. Collection method: clinical testing. Allele origin: germline.
Comment: The p.T649A variant (also known as c.1945A>G), located in coding exon 17 of the LZTR1 gene, results from an A to G substitution at nucleotide position 1945. The threonine at codon 649 is replaced by alanine, an amino acid with similar properties. This amino acid position is well conserved in available vertebrate species. In addition, the in silico prediction for this alteration is inconclusive. Based on the available evidence, the clinical significance of this variant remains unclear.

Labcorp Genetics (formerly Invitae), Labcorp
Classification: Uncertain significance. Last evaluated: 2024-04-05. Review status: criteria provided, single submitter. Criteria: Invitae Variant Classification Sherloc (09022015). Collection method: clinical testing. Allele origin: germline.
Comment: This sequence change replaces threonine, which is neutral and polar, with alanine, which is neutral and non-polar, at codon 649 of the LZTR1 protein (p.Thr649Ala). This variant is not present in population databases (gnomAD no frequency). This variant has not been reported in the literature in individuals affected with LZTR1-related conditions. ClinVar contains an entry for this variant (Variation ID: 1783111). An algorithm developed to predict the effect of missense changes on protein structure and function (PolyPhen-2) suggests that this variant is likely to be tolerated. In summary, the available evidence is currently insufficient to determine the role of this variant in disease. Therefore, it has been classified as a Variant of Uncertain Significance.